The following is an entry in ClinVar:

NM_000038.6(APC):c.6445C>G (p.His2149Asp)

Gene: APC (APC regulator of Wnt signaling pathway; plus strand). Cytogenetic location: 5q22.2.
Variant type: single nucleotide variant.
Coding change: c.6445C>G on transcript NM_000038.6 (MANE Select); coding-DNA position 6445, C replaced by G.
Protein change: p.His2149Asp; replaces histidine 2149 with aspartic acid.
Molecular consequence: missense variant. On other transcripts: non-coding transcript variant (2).
Genome position (GRCh38, 1-based): chr5:112,842,039, C>G. VCF-style: chr5-112842039-C-G. GRCh37 (hg19) VCF-style: chr5-112177736-C-G.
Other names: c.6445C>G, p.His2149Asp (NM_001127510.3, NM_001354895.2, NM_001407450.1); c.6391C>G, p.His2131Asp (NM_001127511.3); c.6499C>G, p.His2167Asp (NM_001354896.2, NM_001407447.1, NM_001407448.1 and 1 more transcripts); c.6475C>G, p.His2159Asp (NM_001354897.2); c.6370C>G, p.His2124Asp (NM_001354898.2); c.6361C>G, p.His2121Asp (NM_001354899.2); c.6322C>G, p.His2108Asp (NM_001354900.2); c.6268C>G, p.His2090Asp (NM_001354901.2, NM_001407453.1); and 11 more; short protein forms H1989D, H2020D, H2066D, H2149D, H2159D, H2048D, H2108D, H2124D.
Identifiers: ClinVar variation 3304580 (VCV003304580.1).

ClinVar aggregate classification (germline): Uncertain significance (1 of 4 stars; one submission).

Conditions:
Hereditary cancer-predisposing syndrome. Also called: Tumor predisposition; Hereditary Cancer Syndrome; Hereditary neoplastic syndrome; Neoplastic Syndromes, Hereditary. Identifiers: Orphanet 140162, MedGen C0027672, MeSH D009386, MONDO:0015356.

Submission:

Ambry Genetics
Classification: Uncertain significance for Hereditary cancer-predisposing syndrome. Last evaluated: 2024-04-08. Review status: criteria provided, single submitter. Criteria: Ambry Variant Classification Scheme 2023. Collection method: clinical testing. Allele origin: germline.
Comment: The p.H2149D variant (also known as c.6445C>G), located in coding exon 15 of the APC gene, results from a C to G substitution at nucleotide position 6445. The histidine at codon 2149 is replaced by aspartic acid, an amino acid with similar properties. This amino acid position is conserved. In addition, in silico predictors for this gene do not accurately predict pathogenicity. Based on the available evidence, the clinical significance of this variant remains unclear.